The following is an entry in ClinVar:

NM_001384732.1(CPLANE1):c.5636C>T (p.Thr1879Ile)

Gene: CPLANE1 (ciliogenesis and planar polarity effector complex subunit 1; minus strand). Cytogenetic location: 5p13.2.
Variant type: single nucleotide variant.
Coding change: c.5636C>T on transcript NM_001384732.1 (MANE Select); coding-DNA position 5636, C replaced by T.
Protein change: p.Thr1879Ile; replaces threonine 1879 with isoleucine.
Molecular consequence: missense variant.
Genome position (GRCh38, 1-based): chr5:37,180,118, G>A on the plus strand (C>T on the coding strand, the complement: CPLANE1 is on the minus strand). VCF-style: chr5-37180118-G-A. GRCh37 (hg19) VCF-style: chr5-37180220-G-A.
Other names: c.5636C>T, p.Thr1879Ile (NM_023073.4); short protein forms T1879I.
Identifiers: ClinVar variation 1365961 (VCV001365961.6), dbSNP rs2151099183, ClinGen allele CA359490144.

ClinVar aggregate classification (germline): Uncertain significance (1 of 4 stars; one submission).

Submission:

Labcorp Genetics (formerly Invitae), Labcorp
Classification: Uncertain significance. Last evaluated: 2022-09-06. Review status: criteria provided, single submitter. Criteria: Invitae Variant Classification Sherloc (09022015). Collection method: clinical testing. Allele origin: germline.
Comment: ClinVar contains an entry for this variant (Variation ID: 1365961). In summary, the available evidence is currently insufficient to determine the role of this variant in disease. Therefore, it has been classified as a Variant of Uncertain Significance. Advanced modeling of protein sequence and biophysical properties (such as structural, functional, and spatial information, amino acid conservation, physicochemical variation, residue mobility, and thermodynamic stability) performed at Invitae indicates that this missense variant is not expected to disrupt CPLANE1 protein function. This variant has not been reported in the literature in individuals affected with CPLANE1-related conditions. This variant is not present in population databases (gnomAD no frequency). This sequence change replaces threonine, which is neutral and polar, with isoleucine, which is neutral and non-polar, at codon 1879 of the CPLANE1 protein (p.Thr1879Ile).